The following is an entry in ClinVar:

ClinVar aggregate classification (germline): Uncertain significance. Review status: criteria provided, multiple submitters, no conflicts (2 of 4 stars). 2 submissions from 2 submitters: Uncertain significance (2). Last evaluated 2025-06-07.

Conditions:
Inborn genetic diseases. Identifiers: MedGen C0950123, MeSH D030342.

Allele frequency attached by ClinVar (database versions not stated): ExAC 0.00002; gnomAD exomes 0.00003 and 0.00002; gnomAD 0.00001; TOPMed 0.00003.
gnomAD v4.1: 39 of 1,613,584 alleles (0.0024%); highest among the groups gnomAD compares: Middle Eastern, 0.016%; no homozygotes.

Submissions (2):

Ambry Genetics
Classification: Uncertain significance for Inborn genetic diseases. Last evaluated: 2025-06-07. Review status: criteria provided, single submitter. Criteria: Ambry Variant Classification Scheme 2023. Collection method: clinical testing. Allele origin: germline.

Labcorp Genetics (formerly Invitae), Labcorp
Classification: Uncertain significance. Last evaluated: 2023-08-04. Review status: criteria provided, single submitter. Criteria: Invitae Variant Classification Sherloc (09022015). Collection method: clinical testing. Allele origin: germline.
Comment: This sequence change replaces arginine, which is basic and polar, with glutamine, which is neutral and polar, at codon 261 of the LCT protein (p.Arg261Gln). This variant is present in population databases (rs762388454, gnomAD 0.009%). This variant has not been reported in the literature in individuals affected with LCT-related conditions. ClinVar contains an entry for this variant (Variation ID: 1500147). An algorithm developed to predict the effect of missense changes on protein structure and function (PolyPhen-2) suggests that this variant¬†is likely to be tolerated. In summary, the available evidence is currently insufficient to determine the role of this variant in disease. Therefore, it has been classified as a Variant of Uncertain Significance.

NM_002299.4(LCT):c.782G>A (p.Arg261Gln)

Gene: LCT (lactase; minus strand). Cytogenetic location: 2q21.3.
Variant type: single nucleotide variant.
Coding change: c.782G>A on transcript NM_002299.4 (MANE Select); coding-DNA position 782, G replaced by A.
Protein change: p.Arg261Gln; replaces arginine 261 with glutamine.
Molecular consequence: missense variant.
Genome position (GRCh38, 1-based): chr2:135,829,615, C>T on the plus strand (G>A on the coding strand, the complement: LCT is on the minus strand). VCF-style: chr2-135829615-C-T. GRCh37 (hg19) VCF-style: chr2-136587185-C-T.
Other names: c.782G>A (NM_002299.2); short protein forms R261Q.
Identifiers: ClinVar variation 1500147 (VCV001500147.5), dbSNP rs762388454, ClinGen allele CA1888536.